The following is an entry in ClinVar:

NM_016111.4(TELO2):c.1383G>A (p.Thr461=)

Gene: TELO2 (telomere maintenance 2; plus strand). Cytogenetic location: 16p13.3.
Variant type: single nucleotide variant.
Coding change: c.1383G>A on transcript NM_016111.4 (MANE Select); coding-DNA position 1383, G replaced by A.
Protein change: p.Thr461=; no amino-acid change (threonine 461 retained).
Molecular consequence: synonymous variant.
Genome position (GRCh38, 1-based): chr16:1,501,684, G>A. VCF-style: chr16-1501684-G-A. GRCh37 (hg19) VCF-style: chr16-1551685-G-A.
Other names: c.1383G>A, p.Thr461= (NM_001351846.2).
Identifiers: ClinVar variation 2645902 (VCV002645902.27), dbSNP rs779082782, ClinGen allele CA7812118.
Genomic context (GRCh38, chr16:1,501,684, plus strand): 5'-GGGGCCCCTAAAGGATTTTTGTTCCTTGTTTCCTTAAAGCACGTCCCTCGTTCCAGCCAC[G>A]GCAGAGCCCCCTGCAGAGACCCCCGCAGAGATCGTGGATGGCGGCGTCCCCCAAGCACAG-3'
Protein context (NP_057195.2, residues 451-471): SEAGTSLVPA[Thr461=]AEPPAETPAE

ClinVar aggregate classification (germline): Likely benign. Review status: criteria provided, multiple submitters, no conflicts (2 of 4 stars). 2 submissions from 2 submitters: Likely benign (2). Last evaluated 2025-08-27.

Allele frequency attached by ClinVar (database versions not stated): gnomAD exomes 0.00003; ExAC 0.00002.
gnomAD v4.1: 47 of 1,610,160 alleles (0.0029%); highest among the groups gnomAD compares: Admixed American, 0.012%; no homozygotes.

Submissions (2):

Labcorp Genetics (formerly Invitae), Labcorp
Classification: Likely benign. Last evaluated: 2025-08-27. Review status: criteria provided, single submitter. Criteria: Invitae Variant Classification Sherloc (09022015). Collection method: clinical testing. Allele origin: germline.

CeGaT Center for Human Genetics Tuebingen
Classification: Likely benign. Last evaluated: 2022-07-01. Review status: criteria provided, single submitter. Criteria: CeGaT Center For Human Genetics Tuebingen Variant Classification Criteria Version 2. Collection method: clinical testing. Allele origin: germline. Affected: yes. Observed: 1 variant allele.
Comment: TELO2: BP4, BP7